The following is an entry in ClinVar:

ClinVar aggregate classification (germline): Likely benign (1 of 4 stars; one submission).

gnomAD v4.1: 48 of 1,520,310 alleles (0.0032%); highest among the groups gnomAD compares: East Asian, 0.013%; no homozygotes.

Submission:

CeGaT Center for Human Genetics Tuebingen
Classification: Likely benign. Last evaluated: 2026-02-01. Review status: criteria provided, single submitter. Criteria: CeGaT Center For Human Genetics Tuebingen Variant Classification Criteria Version 2. Collection method: clinical testing. Allele origin: germline. Affected: yes. Observed: 1 variant allele.
Comment: TAF4: BP4, BP7

NM_003185.4(TAF4):c.1305C>T (p.Arg435=)

Gene: TAF4 (TATA-box binding protein associated factor 4; minus strand). Cytogenetic location: 20q13.33.
Variant type: single nucleotide variant.
Coding change: c.1305C>T on transcript NM_003185.4 (MANE Select); coding-DNA position 1305, C replaced by T.
Protein change: p.Arg435=; no amino-acid change (arginine 435 retained).
Molecular consequence: synonymous variant.
Genome position (GRCh38, 1-based): chr20:62,064,506, G>A on the plus strand (C>T on the coding strand, the complement: TAF4 is on the minus strand). VCF-style: chr20-62064506-G-A. GRCh37 (hg19) VCF-style: chr20-60639562-G-A.
Identifiers: ClinVar variation 4821307 (VCV004821307.4).